The following is an entry in ClinVar:

NM_020754.4(ARHGAP31):c.1913T>C (p.Leu638Pro)

Gene: ARHGAP31 (Rho GTPase activating protein 31; plus strand). Cytogenetic location: 3q13.33.
Variant type: single nucleotide variant.
Coding change: c.1913T>C on transcript NM_020754.4 (MANE Select); coding-DNA position 1913, T replaced by C.
Protein change: p.Leu638Pro; replaces leucine 638 with proline.
Molecular consequence: missense variant.
Genome position (GRCh38, 1-based): chr3:119,409,763, T>C. VCF-style: chr3-119409763-T-C. GRCh37 (hg19) VCF-style: chr3-119128610-T-C.
Other names: short protein forms L638P.
Identifiers: ClinVar variation 2227731 (VCV002227731.2), dbSNP rs1337247918, ClinGen allele CA354045437.

ClinVar aggregate classification (germline): Uncertain significance (1 of 4 stars; one submission).

Conditions:
Inborn genetic diseases. Identifiers: MedGen C0950123, MeSH D030342.

Allele frequency attached by ClinVar (database versions not stated): gnomAD 0.00001; gnomAD exomes 0.00001.
gnomAD v4.1: 13 of 1,603,604 alleles (0.00081%); highest among the groups gnomAD compares: Non-Finnish European, 0.0011%; no homozygotes.

Submission:

Ambry Genetics
Classification: Uncertain significance for Inborn genetic diseases. Last evaluated: 2020-10-14. Review status: criteria provided, single submitter. Criteria: Ambry Variant Classification Scheme 2023. Collection method: clinical testing. Allele origin: germline.
Comment: The c.1913T>C (p.L638P) alteration is located in exon 11 (coding exon 11) of the ARHGAP31 gene. This alteration results from a T to C substitution at nucleotide position 1913, causing the leucine (L) at amino acid position 638 to be replaced by a proline (P). Based on data from the Genome Aggregation Database (gnomAD), the ARHGAP31 c.1913T>C alteration was not observed, with coverage at this position. This amino acid position is poorly conserved in available vertebrate species. The p.L638P alteration is predicted to be tolerated by in silico analysis. Based on insufficient or conflicting evidence, the clinical significance of this alteration remains unclear.